The following is an entry in ClinVar:

ClinVar aggregate classification (germline): Pathogenic/Likely pathogenic. Review status: criteria provided, multiple submitters, no conflicts (2 of 4 stars). 3 submissions from 3 submitters: Pathogenic (2); Likely pathogenic (1). Last evaluated 2024-05-21.

Conditions:
Nephrotic syndrome, type 3 (NPHS3). Also called: NEPHROTIC SYNDROME, EARLY-ONSET, TYPE 3. Identifiers: Orphanet 656, MedGen C1853124, MONDO:0012546, OMIM 610725.

Allele frequency attached by ClinVar (database versions not stated): gnomAD 0.00001; gnomAD exomes 0.00002; ExAC 0.00003; 1000 Genomes Project 0.00020; 1000 Genomes Project 30x 0.00031.
gnomAD v4.1: 17 of 1,610,754 alleles (0.0011%); highest among the groups gnomAD compares: East Asian, 0.0022%; no homozygotes.

Submissions (3):

Fulgent Genetics
Classification: Pathogenic for Nephrotic syndrome, type 3. Last evaluated: 2024-05-21. Review status: criteria provided, single submitter. Criteria: ACMG Guidelines, 2015. Collection method: clinical testing. Allele origin: germline.

Labcorp Genetics (formerly Invitae), Labcorp
Classification: Pathogenic. Last evaluated: 2022-06-05. Review status: criteria provided, single submitter. Criteria: Invitae Variant Classification Sherloc (09022015). Collection method: clinical testing. Allele origin: germline.
Comment: ClinVar contains an entry for this variant (Variation ID: 1338991). This variant has not been reported in the literature in individuals affected with PLCE1-related conditions. This variant is present in population databases (rs548655036, gnomAD 0.005%). This sequence change creates a premature translational stop signal (p.Arg1495*) in the PLCE1 gene. It is expected to result in an absent or disrupted protein product. Loss-of-function variants in PLCE1 are known to be pathogenic (PMID: 17086182, 20591883). For these reasons, this variant has been classified as Pathogenic.

Neuberg Centre For Genomic Medicine, NCGM
Classification: Likely pathogenic for Nephrotic syndrome, type 3. Review status: criteria provided, single submitter. Criteria: ACMG Guidelines, 2015. Collection method: clinical testing. Allele origin: germline. Inheritance: Autosomal recessive inheritance. Affected: yes.
Comment: The stop gained c.4483C>T(p.Arg1495Ter) variant in PLCE1 gene has not been reported previously as a pathogenic variant nor as a benign variant, to our knowledge. This variant is reported with the allele frequency of 0.002% in the gnomAD Exomes and novel in 1000 Genomes. This variant has been reported to the ClinVar database as Pathogenic/Likely Pathogenic. This variant is predicted to cause loss of normal protein function either through protein truncation or nonsense-mediated mRNA decay. Loss of function variants have been previously reported to be disease causing. For these reasons, this variant has been classified as Likely Pathogenic.

Literature cited by the submitters: PubMed 17086182 (cited by Labcorp Genetics (formerly Invitae), Labcorp); PubMed 20591883 (cited by Labcorp Genetics (formerly Invitae), Labcorp).

NM_016341.4(PLCE1):c.4483C>T (p.Arg1495Ter)

Gene: PLCE1 (phospholipase C epsilon 1; plus strand). Cytogenetic location: 10q23.33.
Variant type: single nucleotide variant.
Coding change: c.4483C>T on transcript NM_016341.4 (MANE Select); coding-DNA position 4483, C replaced by T.
Protein change: p.Arg1495Ter; replaces arginine 1495 with a stop codon.
Molecular consequence: nonsense.
Genome position (GRCh38, 1-based): chr10:94,270,579, C>T. VCF-style: chr10-94270579-C-T. GRCh37 (hg19) VCF-style: chr10-96030336-C-T.
Other names: c.3559C>T, p.Arg1187Ter (NM_001165979.2); c.4435C>T, p.Arg1479Ter (NM_001288989.2); short protein forms R1187*, R1479*, R1495*.
Identifiers: ClinVar variation 1338991 (VCV001338991.11), dbSNP rs548655036, ClinGen allele CA5613145.